The following is an entry in ClinVar:

ClinVar aggregate classification (germline): Uncertain significance (1 of 4 stars; one submission).

Conditions:
Congenital myopathy with fiber type disproportion. Also called: Congenital fiber-type disproportion; Congenital fiber-type disproportion myopathy. Identifiers: Orphanet 2020, MedGen C0546264, MONDO:0009711. Inheritance: all.
Congenital myopathy 4B, autosomal recessive. Also called: Nemaline myopathy 1, autosomal dominant or recessive. Identifiers: Orphanet 171433, Orphanet 171439, Orphanet 171881, MedGen C5829889, MONDO:0012239, OMIM 609284.

Submission:

Labcorp Genetics (formerly Invitae), Labcorp
Classification: Uncertain significance for Congenital myopathy with fiber type disproportion; Congenital myopathy 4B, autosomal recessive. Last evaluated: 2024-11-27. Review status: criteria provided, single submitter. Criteria: Invitae Variant Classification Sherloc (09022015). Collection method: clinical testing. Allele origin: germline.
Comment: This sequence change replaces aspartic acid, which is acidic and polar, with glycine, which is neutral and non-polar, at codon 231 of the TPM3 protein (p.Asp231Gly). This variant is not present in population databases (gnomAD no frequency). This variant has not been reported in the literature in individuals affected with TPM3-related conditions. Invitae Evidence Modeling of protein sequence and biophysical properties (such as structural, functional, and spatial information, amino acid conservation, physicochemical variation, residue mobility, and thermodynamic stability) indicates that this missense variant is not expected to disrupt TPM3 protein function with a negative predictive value of 80%. In summary, the available evidence is currently insufficient to determine the role of this variant in disease. Therefore, it has been classified as a Variant of Uncertain Significance.

NM_152263.4(TPM3):c.692A>G (p.Asp231Gly)

Gene: TPM3 (tropomyosin 3; minus strand). Cytogenetic location: 1q21.3.
Variant type: single nucleotide variant.
Coding change: c.692A>G on transcript NM_152263.4 (MANE Select); coding-DNA position 692, A replaced by G.
Protein change: p.Asp231Gly; replaces aspartic acid 231 with glycine.
Molecular consequence: missense variant. On other transcripts: non-coding transcript variant (1), intron variant (1).
Genome position (GRCh38, 1-based): chr1:154,170,662, T>C on the plus strand (A>G on the coding strand, the complement: TPM3 is on the minus strand). VCF-style: chr1-154170662-T-C. GRCh37 (hg19) VCF-style: chr1-154143138-T-C.
Other names: c.581A>G, p.Asp194Gly (NM_001043351.2, NM_001043352.2, NM_001043353.2 and 4 more transcripts); c.383A>G, p.Asp128Gly (NM_001278188.2); c.311A>G, p.Asp104Gly (NM_001278191.2); c.692A>G, p.Asp231Gly (NM_001364679.2, NM_001364680.2, NM_001364681.2 and 1 more transcripts); c.532-193A>G (NM_001278190.2); short protein forms D104G, D128G, D194G, D231G.
Identifiers: ClinVar variation 3758714 (VCV003758714.2).